The following is an entry in ClinVar:

ClinVar aggregate classification (germline): Uncertain significance (1 of 4 stars; one submission).

gnomAD v4.1: 5 of 1,610,530 alleles (0.00031%); highest among the groups gnomAD compares: Admixed American, 0.0051%; no homozygotes.

Submission:

Labcorp Genetics (formerly Invitae), Labcorp
Classification: Uncertain significance. Last evaluated: 2025-04-17. Review status: criteria provided, single submitter. Criteria: Invitae Variant Classification Sherloc (09022015). Collection method: clinical testing. Allele origin: germline.
Comment: This sequence change replaces serine, which is neutral and polar, with glycine, which is neutral and non-polar, at codon 628 of the SUCO protein (p.Ser628Gly). This variant is present in population databases (rs751558061, gnomAD 0.006%). This variant has not been reported in the literature in individuals affected with SUCO-related conditions. An algorithm developed to predict the effect of missense changes on protein structure and function (PolyPhen-2) suggests that this variant is likely to be tolerated. In summary, the available evidence is currently insufficient to determine the role of this variant in disease. Therefore, it has been classified as a Variant of Uncertain Significance.

NM_014283.5(SUCO):c.1882A>G (p.Ser628Gly)

Gene: SUCO (SUN domain containing ossification factor; plus strand). Cytogenetic location: 1q24.3.
Variant type: single nucleotide variant.
Coding change: c.1882A>G on transcript NM_014283.5 (MANE Select); coding-DNA position 1882, A replaced by G.
Protein change: p.Ser628Gly; replaces serine 628 with glycine.
Molecular consequence: missense variant. On other transcripts: intron variant (1).
Genome position (GRCh38, 1-based): chr1:172,588,983, A>G. VCF-style: chr1-172588983-A-G. GRCh37 (hg19) VCF-style: chr1-172558123-A-G.
Other names: c.193A>G, p.Ser65Gly (NM_001282751.2); c.2335A>G, p.Ser779Gly (NM_016227.4); c.1712+59A>G (NM_001282750.2); short protein forms S65G, S628G, S779G.
Identifiers: ClinVar variation 4692384 (VCV004692384.1).